The following is an entry in ClinVar:

NM_000038.6(APC):c.1089T>C (p.Asn363=)

Gene: APC (APC regulator of Wnt signaling pathway; plus strand). Cytogenetic location: 5q22.2.
Variant type: single nucleotide variant.
Coding change: c.1089T>C on transcript NM_000038.6 (MANE Select); coding-DNA position 1089, T replaced by C.
Protein change: p.Asn363=; no amino-acid change (asparagine 363 retained).
Molecular consequence: synonymous variant. On other transcripts: intron variant (4).
Genome position (GRCh38, 1-based): chr5:112,819,121, T>C. VCF-style: chr5-112819121-T-C. GRCh37 (hg19) VCF-style: chr5-112154818-T-C.
Other names: c.1089T>C, p.Asn363= (NM_001127510.3, NM_001354895.2, NM_001354896.2); c.1035T>C, p.Asn345= (NM_001127511.3); c.1119T>C, p.Asn373= (NM_001354897.2); c.1014T>C, p.Asn338= (NM_001354898.2); c.1005T>C, p.Asn335= (NM_001354899.2); c.912T>C, p.Asn304= (NM_001354900.2, NM_001354901.2); c.240T>C, p.Asn80= (NM_001354906.2); c.964-148T>C (NM_001354902.2); and 3 more.
Identifiers: ClinVar variation 490187 (VCV000490187.47), dbSNP rs754925114, ClinGen allele CA026680.

ClinVar aggregate classification (germline): Benign/Likely benign. Review status: criteria provided, multiple submitters, no conflicts (2 of 4 stars). 7 submissions from 7 submitters: Benign (1); Likely benign (6). Last evaluated 2026-01-18.

Conditions:
Hereditary cancer-predisposing syndrome. Also called: Hereditary neoplastic syndrome; Neoplastic Syndromes, Hereditary; Hereditary Cancer Syndrome; Tumor predisposition. Identifiers: Orphanet 140162, MedGen C0027672, MeSH D009386, MONDO:0015356.
Classic or attenuated familial adenomatous polyposis. Identifiers: MedGen CN372698, MONDO:0021057.
Familial adenomatous polyposis 1 (FAP1). Also called: FAMILIAL ADENOMATOUS POLYPOSIS 1, ATTENUATED; POLYPOSIS, ADENOMATOUS INTESTINAL. Identifiers: MedGen C2713442, MONDO:0021056, OMIM 175100. Disease mechanism: loss of function.

Allele frequency attached by ClinVar (database versions not stated): gnomAD exomes below 0.00001; TOPMed below 0.00001; ExAC 0.00001; gnomAD 0.00001.
gnomAD v4.1: 2 of 1,613,962 alleles (0.00012%); highest among the groups gnomAD compares: East Asian, 0.0045%; no homozygotes.

Submissions (7):

Labcorp Genetics (formerly Invitae), Labcorp
Classification: Likely benign for Familial adenomatous polyposis 1. Last evaluated: 2026-01-18. Review status: criteria provided, single submitter. Criteria: Invitae Variant Classification Sherloc (09022015). Collection method: clinical testing. Allele origin: germline.

Myriad Genetics, Inc.
Classification: Benign for Familial adenomatous polyposis 1. Last evaluated: 2024-02-29. Review status: criteria provided, single submitter. Criteria: Myriad Autosomal Dominant, Autosomal Recessive and X-Linked Classification Criteria (2023). Collection method: clinical testing. Allele origin: unknown.
Comment: This variant is considered benign. This variant is a silent/synonymous amino acid change and it is not expected to impact splicing.

All of Us Research Program, National Institutes of Health
Classification: Likely benign for Classic or attenuated familial adenomatous polyposis. Last evaluated: 2023-09-09. Review status: criteria provided, single submitter. Criteria: ACMG Guidelines, 2015. Collection method: clinical testing. Allele origin: germline. Inheritance: Autosomal dominant inheritance. Observed: 2 variant alleles, 2 heterozygotes.
Comment: This study involves interpretation of variants in research participants for the purpose of population health screening. Participant phenotype was not available at the time of variant classification. Additional details can be found in publication PMID: 35346344, PMCID: PMC8962531

CeGaT Center for Human Genetics Tuebingen
Classification: Likely benign. Last evaluated: 2022-04-01. Review status: criteria provided, single submitter. Criteria: CeGaT Center For Human Genetics Tuebingen Variant Classification Criteria Version 2. Collection method: clinical testing. Allele origin: germline. Affected: yes. Observed: 1 variant allele.
Comment: APC: BP4, BP7

Ambry Genetics
Classification: Likely benign for Hereditary cancer-predisposing syndrome. Last evaluated: 2020-01-07. Review status: criteria provided, single submitter. Criteria: Ambry Variant Classification Scheme 2023. Collection method: clinical testing. Allele origin: germline.

GeneDx
Classification: Likely benign. Last evaluated: 2018-07-20. Review status: criteria provided, single submitter. Criteria: GeneDx Variant Classification Process June 2021. Collection method: clinical testing. Allele origin: germline. Affected: yes.

Color Diagnostics, LLC DBA Color Health
Classification: Likely benign for Hereditary cancer-predisposing syndrome. Last evaluated: 2017-02-21. Review status: criteria provided, single submitter. Criteria: ACMG Guidelines, 2015. Collection method: clinical testing. Allele origin: germline.